The following is an entry in ClinVar:

NM_001267550.2(TTN):c.27654T>G (p.Val9218=)

Gene: TTN (titin; minus strand). Cytogenetic location: 2q31.2.
Variant type: single nucleotide variant.
Coding change: c.27654T>G on transcript NM_001267550.2 (MANE Select); coding-DNA position 27654, T replaced by G.
Protein change: p.Val9218=; no amino-acid change (valine 9218 retained).
Molecular consequence: synonymous variant. On other transcripts: intron variant (3).
Genome position (GRCh38, 1-based): chr2:178,712,176, A>C on the plus strand (T>G on the coding strand, the complement: TTN is on the minus strand). VCF-style: chr2-178712176-A-C. GRCh37 (hg19) VCF-style: chr2-179576903-A-C.
Other names: c.26703T>G, p.Val8901= (NM_001256850.1); c.23922T>G, p.Val7974= (NM_133378.4); c.13282+25906T>G (NM_003319.4); c.13858+25906T>G (NM_133437.4); c.13657+25906T>G (NM_133432.3).
Identifiers: ClinVar variation 332906 (VCV000332906.23), dbSNP rs780101457, ClinGen allele CA1999748.

ClinVar aggregate classification (germline): Conflicting classifications of pathogenicity. Review status: criteria provided, conflicting classifications (1 of 4 stars). 8 submissions from 4 submitters: Uncertain significance (3); Benign (3); Likely benign (2). Last evaluated 2026-01-21.

Conditions:
Early-onset myopathy with fatal cardiomyopathy (CMYO5). Also called: CONGENITAL MYOPATHY 5 WITH CARDIOMYOPATHY; Salih Myopathy. Identifiers: Orphanet 289377, MedGen C2673677, MONDO:0012714, OMIM 611705. Disease mechanism: loss of function.
Autosomal recessive limb-girdle muscular dystrophy type 2J (LGMDR10). Also called: MUSCULAR DYSTROPHY, LIMB-GIRDLE, AUTOSOMAL RECESSIVE 10; Limb-girdle muscular dystrophy, type 2J. Identifiers: Orphanet 140922, MedGen C1837342, MONDO:0012127, OMIM 608807.
Tibial muscular dystrophy (TMD). Also called: Udd Distal Myopathy – Tibial Muscular Dystrophy; UDD MYOPATHY; Tibial muscular dystrophy, tardive. Identifiers: Orphanet 609, MedGen C1838244, MONDO:0010870, OMIM 600334.
Dilated cardiomyopathy 1G (CMD1G). Identifiers: Orphanet 154, MedGen C1858763, MONDO:0011400, OMIM 604145.
Myopathy, myofibrillar, 9, with early respiratory failure (MFM9). Also called: Myopathy, distal, with early respiratory failure, autosomal dominant; EDSTROM MYOPATHY; Hereditary myopathy with early respiratory failure; MYOPATHY, PROXIMAL, WITH EARLY RESPIRATORY MUSCLE INVOLVEMENT. Identifiers: Orphanet 178464, Orphanet 34521, MedGen C1863599, MONDO:0011362, OMIM 603689.

Allele frequency attached by ClinVar (database versions not stated): gnomAD 0.00001; TOPMed 0.00002; gnomAD exomes 0.00006 and 0.00014; ExAC 0.00013.
gnomAD v4.1: 35 of 1,613,684 alleles (0.0022%); highest among the groups gnomAD compares: Admixed American, 0.057%; no homozygotes.

Submissions (8):

Labcorp Genetics (formerly Invitae), Labcorp
Classification: Benign for Dilated cardiomyopathy 1G; Autosomal recessive limb-girdle muscular dystrophy type 2J. Last evaluated: 2026-01-21. Review status: criteria provided, single submitter. Criteria: Invitae Variant Classification Sherloc (09022015). Collection method: clinical testing. Allele origin: germline.

CeGaT Center for Human Genetics Tuebingen
Classification: Likely benign. Last evaluated: 2025-12-01. Review status: criteria provided, single submitter. Criteria: CeGaT Center For Human Genetics Tuebingen Variant Classification Criteria Version 2. Collection method: clinical testing. Allele origin: germline. Affected: yes. Observed: 1 variant allele.
Comment: TTN: BP4, BP7

GeneDx
Classification: Likely benign. Last evaluated: 2018-04-13. Review status: criteria provided, single submitter. Criteria: GeneDx Variant Classification Process June 2021. Collection method: clinical testing. Allele origin: germline. Affected: yes.

Illumina Laboratory Services, Illumina
Classification: Benign for Tibial muscular dystrophy. Last evaluated: 2018-01-12. Review status: criteria provided, single submitter. Criteria: ICSL Variant Classification Criteria 13 December 2019. Collection method: clinical testing. Allele origin: germline.
Comment: This variant was observed in the ICSL laboratory as part of a predisposition screen in an ostensibly healthy population. It had not been previously curated by ICSL or reported in the Human Gene Mutation Database (HGMD: prior to June 1st, 2018), and was therefore a candidate for classification through an automated scoring system. Utilizing variant allele frequency, disease prevalence and penetrance estimates, and inheritance mode, an automated score was calculated to assess if this variant is too frequent to cause the disease. Based on the score and internal cut-off values, a variant classified as benign is not then subjected to further curation. The score for this variant resulted in a classification of benign for this disease.

Illumina Laboratory Services, Illumina
Classification: Uncertain significance for Autosomal recessive limb-girdle muscular dystrophy type 2J. Last evaluated: 2018-01-12. Review status: criteria provided, single submitter. Criteria: ICSL Variant Classification Criteria 13 December 2019. Collection method: clinical testing. Allele origin: germline.

Illumina Laboratory Services, Illumina
Classification: Benign for Myopathy, myofibrillar, 9, with early respiratory failure. Last evaluated: 2018-01-12. Review status: criteria provided, single submitter. Criteria: ICSL Variant Classification Criteria 13 December 2019. Collection method: clinical testing. Allele origin: germline.
Comment: the same text as in the submission from Illumina Laboratory Services, Illumina above.

Illumina Laboratory Services, Illumina
Classification: Uncertain significance for Dilated cardiomyopathy 1G. Last evaluated: 2018-01-12. Review status: criteria provided, single submitter. Criteria: ICSL Variant Classification Criteria 13 December 2019. Collection method: clinical testing. Allele origin: germline.

Illumina Laboratory Services, Illumina
Classification: Uncertain significance for Early-onset myopathy with fatal cardiomyopathy. Last evaluated: 2018-01-12. Review status: criteria provided, single submitter. Criteria: ICSL Variant Classification Criteria 13 December 2019. Collection method: clinical testing. Allele origin: germline.